The following is an entry in ClinVar:

ClinVar aggregate classification (germline): Benign/Likely benign. Review status: criteria provided, multiple submitters, no conflicts (2 of 4 stars). 4 submissions from 4 submitters: Benign (1); Likely benign (3). Last evaluated 2025-05-05.

Conditions:
Hereditary nonpolyposis colorectal neoplasms. Identifiers: MedGen C0009405, MeSH D003123.
Hereditary cancer-predisposing syndrome. Also called: Hereditary neoplastic syndrome; Hereditary Cancer Syndrome; Neoplastic Syndromes, Hereditary; Tumor predisposition. Identifiers: Orphanet 140162, MedGen C0027672, MeSH D009386, MONDO:0015356.
Lynch syndrome 5 (LYNCH5). Also called: Hereditary non-polyposis colorectal cancer, type 5; Colorectal cancer, hereditary nonpolyposis, type 5. Identifiers: Orphanet 144, MedGen C1833477, MONDO:0013710, OMIM 614350. Disease mechanism: loss of function.

Allele frequency attached by ClinVar (database versions not stated): gnomAD exomes below 0.00001.
gnomAD v4.1: 3 of 1,614,164 alleles (0.00019%); highest among the groups gnomAD compares: Non-Finnish European, 0.00025%; no homozygotes.

Submissions (4):

Labcorp Genetics (formerly Invitae), Labcorp
Classification: Likely benign for Hereditary nonpolyposis colorectal neoplasms. Last evaluated: 2025-05-05. Review status: criteria provided, single submitter. Criteria: Invitae Variant Classification Sherloc (09022015). Collection method: clinical testing. Allele origin: germline.

Myriad Genetics, Inc.
Classification: Benign for Lynch syndrome 5. Last evaluated: 2024-12-23. Review status: criteria provided, single submitter. Criteria: Myriad Autosomal Dominant, Autosomal Recessive and X-Linked Classification Criteria (2023). Collection method: clinical testing. Allele origin: unknown.
Comment: This variant is considered benign. This variant is a silent/synonymous amino acid change and it is not expected to impact splicing.

Ambry Genetics
Classification: Likely benign for Hereditary cancer-predisposing syndrome. Last evaluated: 2024-06-20. Review status: criteria provided, single submitter. Criteria: Ambry Variant Classification Scheme 2023. Collection method: clinical testing. Allele origin: germline.

Color Diagnostics, LLC DBA Color Health
Classification: Likely benign for Hereditary cancer-predisposing syndrome. Last evaluated: 2018-02-15. Review status: criteria provided, single submitter. Criteria: ACMG Guidelines, 2015. Collection method: clinical testing. Allele origin: germline.

NM_000179.3(MSH6):c.1269T>G (p.Leu423=)

Gene: MSH6 (mutS homolog 6; plus strand). Cytogenetic location: 2p16.3.
Variant type: single nucleotide variant.
Coding change: c.1269T>G on transcript NM_000179.3 (MANE Select); coding-DNA position 1269, T replaced by G.
Protein change: p.Leu423=; no amino-acid change (leucine 423 retained).
Molecular consequence: synonymous variant.
Genome position (GRCh38, 1-based): chr2:47,799,252, T>G. VCF-style: chr2-47799252-T-G. GRCh37 (hg19) VCF-style: chr2-48026391-T-G.
Other names: c.363T>G, p.Leu121= (NM_001281494.2, NM_001281493.2); c.879T>G, p.Leu293= (NM_001281492.2).
Identifiers: ClinVar variation 237132 (VCV000237132.14), dbSNP rs774457540, ClinGen allele CA10582047.